The following is an entry in ClinVar:

ClinVar aggregate classification (germline): Uncertain significance. Review status: criteria provided, multiple submitters, no conflicts (2 of 4 stars). 2 submissions from 2 submitters: Uncertain significance (2). Last evaluated 2025-11-20.

Conditions:
Inborn genetic diseases. Identifiers: MedGen C0950123, MeSH D030342.

Allele frequency attached by ClinVar (database versions not stated): gnomAD exomes below 0.00001; gnomAD 0.00001; TOPMed 0.00002.
gnomAD v4.1: 8 of 1,611,638 alleles (0.0005%); highest among the groups gnomAD compares: Admixed American, 0.005%; no homozygotes.

Submissions (2):

Ambry Genetics
Classification: Uncertain significance for Inborn genetic diseases. Last evaluated: 2025-11-20. Review status: criteria provided, single submitter. Criteria: Ambry Variant Classification Scheme 2023. Collection method: clinical testing. Allele origin: germline.

Labcorp Genetics (formerly Invitae), Labcorp
Classification: Uncertain significance. Last evaluated: 2025-03-17. Review status: criteria provided, single submitter. Criteria: Invitae Variant Classification Sherloc (09022015). Collection method: clinical testing. Allele origin: germline.
Comment: This sequence change replaces alanine, which is neutral and non-polar, with threonine, which is neutral and polar, at codon 253 of the IFT81 protein (p.Ala253Thr). This variant is present in population databases (no rsID available, gnomAD 0.003%). This variant has not been reported in the literature in individuals affected with IFT81-related conditions. ClinVar contains an entry for this variant (Variation ID: 853195). Invitae Evidence Modeling of protein sequence and biophysical properties (such as structural, functional, and spatial information, amino acid conservation, physicochemical variation, residue mobility, and thermodynamic stability) indicates that this missense variant is not expected to disrupt IFT81 protein function with a negative predictive value of 80%. In summary, the available evidence is currently insufficient to determine the role of this variant in disease. Therefore, it has been classified as a Variant of Uncertain Significance.

NM_014055.4(IFT81):c.757G>A (p.Ala253Thr)

Gene: IFT81 (intraflagellar transport 81; plus strand). Cytogenetic location: 12q24.11.
Variant type: single nucleotide variant.
Coding change: c.757G>A on transcript NM_014055.4 (MANE Select); coding-DNA position 757, G replaced by A.
Protein change: p.Ala253Thr; replaces alanine 253 with threonine.
Molecular consequence: missense variant. On other transcripts: 5 prime UTR variant (2), non-coding transcript variant (4).
Genome position (GRCh38, 1-based): chr12:110,136,836, G>A. VCF-style: chr12-110136836-G-A. GRCh37 (hg19) VCF-style: chr12-110574641-G-A.
Other names: c.757G>A, p.Ala253Thr (NM_001143779.2, NM_001347946.2, NM_031473.4); c.-10G>A (NM_001347947.2, NM_001347948.2); short protein forms A253T.
Identifiers: ClinVar variation 853195 (VCV000853195.12), dbSNP rs1194530036, ClinGen allele CA386910627.